The following is an entry in ClinVar:

NC_000001.10:g.(?_193181185)_(193181617_?)del

Gene: CDC73 (cell division cycle 73; plus strand). Cytogenetic location: 1q31.2.
Variant type: Deletion.
Identifiers: ClinVar variation 3247700 (VCV003247700.1).

ClinVar aggregate classification (germline): Pathogenic (1 of 4 stars; one submission).

Conditions:
Parathyroid carcinoma (PRTC). Also called: Parathyroid gland carcinoma; CDC73-Related Parathyroid Carcinoma. Identifiers: Orphanet 143, MedGen C0687150, MONDO:0012004, OMIM 608266, HP:0006780.

Submission:

Labcorp Genetics (formerly Invitae), Labcorp
Classification: Pathogenic for Parathyroid carcinoma. Last evaluated: 2023-10-04. Review status: criteria provided, single submitter. Criteria: Invitae Variant Classification Sherloc (09022015). Collection method: clinical testing. Allele origin: unknown.
Comment: This variant is a gross deletion of the genomic region encompassing exon(s) 12-13 of the CDC73 gene. This deletion is out-of-frame, and is expected to create a premature termination codon and result in an absent or disrupted protein product. Loss-of-function variants in CDC73 are known to be pathogenic (PMID: 12434154). This variant has not been reported in the literature in individuals affected with CDC73-related conditions. For these reasons, this variant has been classified as Pathogenic.

Literature cited by the submitters: PubMed 12434154.